The following is an entry in ClinVar:

ClinVar aggregate classification (germline): Uncertain significance. Review status: criteria provided, multiple submitters, no conflicts (2 of 4 stars). 3 submissions from 3 submitters: Uncertain significance (3). Last evaluated 2025-10-20.

Conditions:
Idiopathic generalized epilepsy. Also called: Generalised epilepsy; EIG. Identifiers: MedGen C0270850, MONDO:0005579, OMIM 600669.
Hyperaldosteronism, familial, type IV (HALD4). Also called: ALDOSTERONISM, PRIMARY, AND HYPERTENSION; FH IV. Identifiers: Orphanet 642671, MedGen C4310756, MONDO:0014875, OMIM 617027.
Epilepsy, childhood absence, susceptibility to, 6. Identifiers: Orphanet 64280, MedGen C2749872, MONDO:0012763, OMIM 611942.

Submissions (3):

Women's Health and Genetics/Laboratory Corporation of America, LabCorp
Classification: Uncertain significance. Last evaluated: 2025-10-20. Review status: criteria provided, single submitter. Criteria: LabCorp Variant Classification Summary - May 2015. Collection method: clinical testing. Allele origin: germline.
Comment: Variant summary: CACNA1H c.6048+2_6048+5delTAGG is located in a canonical splice-site and is predicted to affect mRNA splicing resulting in a significantly altered protein due to either exon skipping, shortening, or inclusion of intronic material. Variants that disrupt the consensus splice site are a relatively common cause of aberrant splicing, however current evidence is not sufficient to establish loss of function as a mechanism for disease. Several computational tools predict a significant impact on normal splicing: Four predict the variant abolishes a 5' splicing donor site. However, these predictions have yet to be confirmed by functional studies. The variant allele was found at a frequency of 2.9e-05 in 138208 control chromosomes (gnomAD). The available data on variant occurrences in the general population are insufficient to allow any conclusion about variant significance. c.6048+2_6048+5delTAGG has been reported in the literature in an individual affected with epilepsy (e.g., de Lange_2018). This report does not provide unequivocal conclusions about association of the variant with Idiopathic Generalized Epilepsy. To our knowledge, no experimental evidence demonstrating an impact on protein function has been reported. The following publication has been ascertained in the context of this evaluation (PMID: 32032478). ClinVar contains an entry for this variant (Variation ID: 1373530). Based on the evidence outlined above, the variant was classified as uncertain significance.

Labcorp Genetics (formerly Invitae), Labcorp
Classification: Uncertain significance for Idiopathic generalized epilepsy; Hyperaldosteronism, familial, type IV. Last evaluated: 2025-07-06. Review status: criteria provided, single submitter. Criteria: Invitae Variant Classification Sherloc (09022015). Collection method: clinical testing. Allele origin: germline.
Comment: This sequence change affects a splice site in intron 34 of the CACNA1H gene. It is expected to disrupt RNA splicing. Variants that disrupt the donor or acceptor splice site typically lead to a loss of protein function (PMID: 16199547), however the current clinical and genetic evidence is not sufficient to establish whether loss-of-function variants in CACNA1H cause disease. This variant is present in population databases (no rsID available, gnomAD 0.005%). This variant has not been reported in the literature in individuals affected with CACNA1H-related conditions. ClinVar contains an entry for this variant (Variation ID: 1373530). Algorithms developed to predict the effect of sequence changes on RNA splicing suggest that this variant may disrupt the consensus splice site. In summary, the available evidence is currently insufficient to determine the role of this variant in disease. Therefore, it has been classified as a Variant of Uncertain Significance.

Fulgent Genetics
Classification: Uncertain significance for Epilepsy, childhood absence, susceptibility to, 6; Hyperaldosteronism, familial, type IV. Last evaluated: 2021-10-07. Review status: criteria provided, single submitter. Criteria: ACMG Guidelines, 2015. Collection method: clinical testing. Allele origin: unknown.

Literature cited by the submitters: PubMed 32032478 (cited by Women's Health and Genetics/Laboratory Corporation of America, LabCorp); PubMed 16199547 (cited by Labcorp Genetics (formerly Invitae), Labcorp).

NM_021098.3(CACNA1H):c.6048+2_6048+5del

Gene: CACNA1H (calcium voltage-gated channel subunit alpha1 H; plus strand). Cytogenetic location: 16p13.3.
Variant type: Deletion.
Coding change: c.6048+2_6048+5del on transcript NM_021098.3 (MANE Select); the canonical splice donor site of the intron after coding-DNA position 6048 through 5 bases into the intron after coding-DNA position 6048, 4 bases deleted (TAGG; older notation c.6048+2_6048+5delTAGG).
Molecular consequence: splice donor variant.
Genome position (GRCh38, 1-based): chr16:1,219,132-1,219,135, TAGG deleted; deleting any 4 consecutive bases within chr16:1,219,129-1,219,135 gives the same sequence; the c. name uses the placement nearest the transcript's 3' end. VCF-style (leftmost placement, unchanged base first): chr16-1219128-CAGGT-C. GRCh37 (hg19) VCF-style: chr16-1269128-CAGGT-C.
Other names: c.6048+2_6048+5delTAGG (NM_021098.3); c.6030+2_6030+5del (NM_001005407.2).
Identifiers: ClinVar variation 1373530 (VCV001373530.11), dbSNP rs1172256364, ClinGen allele CA620699485.